The following is an entry in ClinVar:

NM_000271.5(NPC1):c.1947+14_1947+15insGT

Gene: NPC1 (NPC intracellular cholesterol transporter 1; minus strand). Cytogenetic location: 18q11.2.
Variant type: Insertion.
Coding change: c.1947+14_1947+15insGT on transcript NM_000271.5 (MANE Select); bases 14 to 15 of the intron after coding-DNA position 1947, GT inserted.
Molecular consequence: intron variant.
Genome position: GRCh38 VCF-style: chr18-23544945-C-CCA. GRCh37 (hg19) VCF-style: chr18-21124909-C-CCA.
Other names: c.1947+14_1947+15insTG (NM_000271.4).
Identifiers: ClinVar variation 1473164 (VCV001473164.7), dbSNP rs1555634633, ClinGen allele CA628978806.
Genomic context (GRCh38, chr18:23,544,945, plus strand): 5'-AAGAGGCAAAAATATGACGTTACACTGTGCACTGCTGTTAACCTCTAGAACATACACCAC[C>CCA]CCCCCCCGGCTTACCAGAAGCCTGCGACAGCTTTTCATGTGCCCCAAGGCTAGGGAAATA-3'

ClinVar aggregate classification (germline): Likely benign. Review status: criteria provided, single submitter (1 of 4 stars). 2 submissions from 2 submitters: Likely benign (1). 1 of the submissions does not count toward it. Last evaluated 2025-12-21.

Conditions:
Niemann-Pick disease, type C1. Also called: NEUROVISCERAL STORAGE DISEASE WITH VERTICAL SUPRANUCLEAR OPHTHALMOPLEGIA; NIEMANN-PICK DISEASE WITH CHOLESTEROL ESTERIFICATION BLOCK; NIEMANN-PICK DISEASE WITHOUT SPHINGOMYELINASE DEFICIENCY; NIEMANN-PICK DISEASE, CHRONIC NEURONOPATHIC FORM; NIEMANN-PICK DISEASE, VARIANT TYPE C1. Identifiers: Orphanet 646, MedGen C3179455, MONDO:0009757, OMIM 257220.
NPC1-related disorder. Also called: NPC1-related condition.

Submissions (2):

Labcorp Genetics (formerly Invitae), Labcorp
Classification: Likely benign for Niemann-Pick disease, type C1. Last evaluated: 2025-12-21. Review status: criteria provided, single submitter. Criteria: Invitae Variant Classification Sherloc (09022015). Collection method: clinical testing. Allele origin: germline.

PreventionGenetics, part of Exact Sciences
Classification: Likely benign for NPC1-related condition. Last evaluated: 2024-06-06. Review status: no assertion criteria provided. Collection method: clinical testing. Allele origin: germline. Not counted in ClinVar's aggregate classification.
Comment: This variant is classified as likely benign based on ACMG/AMP sequence variant interpretation guidelines (Richards et al. 2015 PMID: 25741868, with internal and published modifications).